The following is an entry in ClinVar:

ClinVar aggregate classification (germline): Uncertain significance (1 of 4 stars; one submission).

Conditions:
Combined oxidative phosphorylation defect type 17. Also called: Combined oxidative phosphorylation deficiency 17. Identifiers: Orphanet 369913, MedGen C3809526, MONDO:0014190, OMIM 615440.

Submission:

3billion
Classification: Uncertain significance for Combined oxidative phosphorylation defect type 17. Last evaluated: 2022-03-22. Review status: criteria provided, single submitter. Criteria: ACMG Guidelines, 2015. Collection method: clinical testing. Allele origin: germline. Affected: yes. Observed: 1 heterozygote.
Comment: The variant is not observed in the gnomAD v2.1.1 dataset. Therefore, this variant is classified as uncertain significance according to the recommendation of ACMG/AMP guideline.

NM_018127.7(ELAC2):c.352G>T (p.Val118Phe)

Gene: ELAC2 (elaC ribonuclease Z 2; minus strand). Cytogenetic location: 17p12.
Variant type: single nucleotide variant.
Coding change: c.352G>T on transcript NM_018127.7 (MANE Select); coding-DNA position 352, G replaced by T.
Protein change: p.Val118Phe; replaces valine 118 with phenylalanine.
Molecular consequence: missense variant.
Genome position (GRCh38, 1-based): chr17:13,016,877, C>A on the plus strand (G>T on the coding strand, the complement: ELAC2 is on the minus strand). VCF-style: chr17-13016877-C-A. GRCh37 (hg19) VCF-style: chr17-12920194-C-A.
Other names: c.352G>T, p.Val118Phe (NM_001165962.2, NM_173717.2); short protein forms V118F.
Identifiers: ClinVar variation 1526228 (VCV001526228.1), dbSNP rs1906915211, ClinGen allele CA398218334.